The following is an entry in ClinVar:

ClinVar aggregate classification (germline): Uncertain significance (1 of 4 stars; one submission).

Conditions:
Spastic paraplegia. Identifiers: MedGen C0037772, HP:0001258.

Allele frequency attached by ClinVar (database versions not stated): ExAC 0.00001; gnomAD 0.00001; gnomAD exomes 0.00001; TOPMed 0.00001.
gnomAD v4.1: 11 of 1,613,962 alleles (0.00068%); highest among the groups gnomAD compares: Non-Finnish European, 0.00093%; no homozygotes.

Submission:

Labcorp Genetics (formerly Invitae), Labcorp
Classification: Uncertain significance for Spastic paraplegia. Last evaluated: 2022-10-21. Review status: criteria provided, single submitter. Criteria: Invitae Variant Classification Sherloc (09022015). Collection method: clinical testing. Allele origin: germline.
Comment: This sequence change replaces serine, which is neutral and polar, with phenylalanine, which is neutral and non-polar, at codon 1302 of the ZFYVE26 protein (p.Ser1302Phe). This variant is present in population databases (rs747435986, gnomAD 0.003%). This missense change has been observed in individual(s) with clinical features of hereditary spastic paraplegia (Invitae). Algorithms developed to predict the effect of missense changes on protein structure and function are either unavailable or do not agree on the potential impact of this missense change (SIFT: "Deleterious"; PolyPhen-2: "Possibly Damaging"; Align-GVGD: "Class C0"). In summary, the available evidence is currently insufficient to determine the role of this variant in disease. Therefore, it has been classified as a Variant of Uncertain Significance.

NM_015346.4(ZFYVE26):c.3905C>T (p.Ser1302Phe)

Gene: ZFYVE26 (zinc finger FYVE-type containing 26; minus strand). Cytogenetic location: 14q24.1.
Variant type: single nucleotide variant.
Coding change: c.3905C>T on transcript NM_015346.4 (MANE Select); coding-DNA position 3905, C replaced by T.
Protein change: p.Ser1302Phe; replaces serine 1302 with phenylalanine.
Molecular consequence: missense variant.
Genome position (GRCh38, 1-based): chr14:67,783,247, G>A on the plus strand (C>T on the coding strand, the complement: ZFYVE26 is on the minus strand). VCF-style: chr14-67783247-G-A. GRCh37 (hg19) VCF-style: chr14-68249964-G-A.
Other names: short protein forms S1302F.
Identifiers: ClinVar variation 2059628 (VCV002059628.1), dbSNP rs747435986, ClinGen allele CA7239883.